The following is an entry in ClinVar:

ClinVar aggregate classification (germline): Pathogenic (1 of 4 stars; one submission).

Conditions:
Multiple congenital exostosis (EXT). Also called: Multiple exostoses; MULTIPLE CARTILAGINOUS EXOSTOSES; Hereditary multiple exostoses; Hereditary multiple exostosis; Multiple osteochondromas; Hereditary multiple osteochondromas. Identifiers: Orphanet 321, MedGen C0015306, MONDO:0005508, HP:0002762.

Submission:

Labcorp Genetics (formerly Invitae), Labcorp
Classification: Pathogenic for Multiple congenital exostosis. Last evaluated: 2025-05-28. Review status: criteria provided, single submitter. Criteria: Invitae Variant Classification Sherloc (09022015). Collection method: clinical testing. Allele origin: germline.
Comment: This sequence change creates a premature translational stop signal (p.Ala137Profs*20) in the EXT1 gene. It is expected to result in an absent or disrupted protein product. Loss-of-function variants in EXT1 are known to be pathogenic (PMID: 10679937, 11391482, 19810120). This variant is not present in population databases (gnomAD no frequency). This variant has not been reported in the literature in individuals affected with EXT1-related conditions. For these reasons, this variant has been classified as Pathogenic.

Literature cited by the submitters: PubMed 10679937; PubMed 11391482; PubMed 19810120.

NM_000127.3(EXT1):c.409del (p.Ala137fs)

Gene: EXT1 (exostosin glycosyltransferase 1; minus strand). Cytogenetic location: 8q24.11.
Variant type: Deletion.
Coding change: c.409del on transcript NM_000127.3 (MANE Select); coding-DNA position 409, one base deleted (G; older notation c.409delG).
Protein change: p.Ala137fs; shifts the reading frame from alanine 137.
Molecular consequence: frameshift variant.
Genome position (GRCh38, 1-based): chr8:118,110,638, C deleted on the plus strand (G on the coding strand, the reverse complement: EXT1 is on the minus strand); the first of 2 consecutive C bases (chr8:118,110,638-118,110,639); deleting either gives the same sequence. VCF-style (leftmost placement, unchanged base first): chr8-118110637-GC-G. GRCh37 (hg19) VCF-style: chr8-119122876-GC-G.
Other names: short protein forms A137fs.
Identifiers: ClinVar variation 4720414 (VCV004720414.1).